The following is an entry in ClinVar:

NM_001458.5(FLNC):c.634A>C (p.Asn212His)

Gene: FLNC (filamin C; plus strand). Cytogenetic location: 7q32.1.
Variant type: single nucleotide variant.
Coding change: c.634A>C on transcript NM_001458.5 (MANE Select); coding-DNA position 634, A replaced by C.
Protein change: p.Asn212His; replaces asparagine 212 with histidine.
Molecular consequence: missense variant.
Genome position (GRCh38, 1-based): chr7:128,837,192, A>C. VCF-style: chr7-128837192-A-C. GRCh37 (hg19) VCF-style: chr7-128477246-A-C.
Other names: c.634A>C, p.Asn212His (NM_001127487.2); short protein forms N212H.
Identifiers: ClinVar variation 4812396 (VCV004812396.1).

ClinVar aggregate classification (germline): Uncertain significance (1 of 4 stars; one submission).

Conditions:
Hypertrophic cardiomyopathy 26. Also called: Cardiomyopathy, familial hypertrophic, 26. Identifiers: Orphanet 75249, MedGen C4310749, MONDO:0014883, OMIM 617047.
Myofibrillar myopathy 5. Also called: Filaminopathy (type); FILAMINOPATHY, AUTOSOMAL DOMINANT. Identifiers: Orphanet 171445, MedGen C1836050, MONDO:0012289, OMIM 609524.
Distal myopathy with posterior leg and anterior hand involvement. Also called: WILLIAMS DISTAL MYOPATHY. Identifiers: Orphanet 63273, MedGen C3279722, MONDO:0013550, OMIM 614065.

Submission:

Labcorp Genetics (formerly Invitae), Labcorp
Classification: Uncertain significance for Distal myopathy with posterior leg and anterior hand involvement; Myofibrillar myopathy 5; Hypertrophic cardiomyopathy 26. Last evaluated: 2025-05-23. Review status: criteria provided, single submitter. Criteria: Invitae Variant Classification Sherloc (09022015). Collection method: clinical testing. Allele origin: germline.
Comment: This sequence change replaces asparagine, which is neutral and polar, with histidine, which is basic and polar, at codon 212 of the FLNC protein (p.Asn212His). This variant is not present in population databases (gnomAD no frequency). This variant has not been reported in the literature in individuals affected with FLNC-related conditions. Invitae Evidence Modeling of protein sequence and biophysical properties (such as structural, functional, and spatial information, amino acid conservation, physicochemical variation, residue mobility, and thermodynamic stability) has been performed for this missense variant. However, the output from this modeling did not meet the statistical confidence thresholds required to predict the impact of this variant on FLNC protein function. In summary, the available evidence is currently insufficient to determine the role of this variant in disease. Therefore, it has been classified as a Variant of Uncertain Significance.